The following is an entry in ClinVar:

ClinVar aggregate classification (germline): Pathogenic (1 of 4 stars; one submission).

Conditions:
Wilson disease (WND). Also called: Wilson's disease. Identifiers: Orphanet 905, MedGen C0019202, MONDO:0010200, OMIM 277900. Disease mechanism: loss of function.

Submission:

Chongqing Key Laboratory of Child Rare Diseases in Infection and Immunity, Children’s Hospital of Chongqing Medical University
Classification: Pathogenic for Wilson disease. Last evaluated: 2024-01-01. Review status: criteria provided, single submitter. Criteria: ACMG Guidelines, 2015. Collection method: clinical testing. Allele origin: germline. Inheritance: Autosomal recessive inheritance. Affected: yes.
Comment: Classified as Pathogenic according to the ACMG/AMP 2015 guidelines (PMID:25741868). The classification was based on the available submitted evidence for Wilson disease (OMIM:277900), including clinical-testing observations, variant consequence/protein annotation, and published or ClinVar evidence where available. Supporting information considered: variant annotation: p.Tyr1376Ter; Nonsense; Protein domain: C-ter tail; submitted notation: NM_000053.4:c.4128T>G (p.Tyr1376Ter); source variant type: Nonsense; source domain: C-ter tail; allele count n=230: 1.

NM_000053.4(ATP7B):c.4128T>G (p.Tyr1376Ter)

Gene: ATP7B (ATPase copper transporting beta; minus strand). Cytogenetic location: 13q14.3.
Variant type: single nucleotide variant.
Coding change: c.4128T>G on transcript NM_000053.4 (MANE Select); coding-DNA position 4128, T replaced by G.
Protein change: p.Tyr1376Ter; replaces tyrosine 1376 with a stop codon.
Molecular consequence: nonsense.
Genome position (GRCh38, 1-based): chr13:51,935,026, A>C on the plus strand (T>G on the coding strand, the complement: ATP7B is on the minus strand). VCF-style: chr13-51935026-A-C. GRCh37 (hg19) VCF-style: chr13-52509162-A-C.
Other names: c.3507T>G, p.Tyr1169Ter (NM_001005918.3); c.3795T>G, p.Tyr1265Ter (NM_001243182.2); c.3894T>G, p.Tyr1298Ter (NM_001330578.2, NM_001406527.1, NM_001406528.1); c.3876T>G, p.Tyr1292Ter (NM_001330579.2, NM_001406531.1, NM_001406532.1); c.4128T>G, p.Tyr1376Ter (NM_001406511.1, NM_001406512.1); c.4122T>G, p.Tyr1374Ter (NM_001406513.1); c.4095T>G, p.Tyr1365Ter (NM_001406514.1); c.4074T>G, p.Tyr1358Ter (NM_001406515.1, NM_001406516.1); and 21 more; short protein forms Y1095*, Y1149*, Y1160*, Y1169*, Y1182*, Y1212*, Y1214*, Y1227*.
Identifiers: ClinVar variation 4852558 (VCV004852558.1).